The following is an entry in ClinVar:

ClinVar aggregate classification (germline): Uncertain significance (1 of 4 stars; one submission).

Conditions:
Cardiovascular phenotype. Identifiers: MedGen CN230736.

gnomAD v4.1: 1 of 1,613,688 alleles (0.000062%); highest among the groups gnomAD compares: Non-Finnish European, 0.000085%; no homozygotes.

Submission:

Ambry Genetics
Classification: Uncertain significance for Cardiovascular phenotype. Last evaluated: 2023-03-29. Review status: criteria provided, single submitter. Criteria: Ambry Variant Classification Scheme 2023. Collection method: clinical testing. Allele origin: germline.
Comment: The p.D122V variant (also known as c.365A>T), located in coding exon 3 of the SPRED1 gene, results from an A to T substitution at nucleotide position 365. The aspartic acid at codon 122 is replaced by valine, an amino acid with highly dissimilar properties. This amino acid position is conserved. In addition, this alteration is predicted to be deleterious by in silico analysis. Since supporting evidence is limited at this time, the clinical significance of this alteration remains unclear.

NM_152594.3(SPRED1):c.365A>T (p.Asp122Val)

Gene: SPRED1 (sprouty related EVH1 domain containing 1; plus strand). Cytogenetic location: 15q14.
Variant type: single nucleotide variant.
Coding change: c.365A>T on transcript NM_152594.3 (MANE Select); coding-DNA position 365, A replaced by T.
Protein change: p.Asp122Val; replaces aspartic acid 122 with valine.
Molecular consequence: missense variant.
Genome position (GRCh38, 1-based): chr15:38,322,398, A>T. VCF-style: chr15-38322398-A-T. GRCh37 (hg19) VCF-style: chr15-38614599-A-T.
Other names: short protein forms D122V.
Identifiers: ClinVar variation 2568299 (VCV002568299.2), dbSNP rs2542695991, ClinGen allele CA391932239.
Genomic context (GRCh38, chr15:38,322,398, plus strand): 5'-CGTTTCAAAGTCCTGCTGATGCTAGGGCTTTTGATAGAGGTATCCGAAGAGCTATAGAGG[A>T]TATTTCTCAAGGTAGGTATTCTTGACTATTTTCTTAATTTATTTATCGGTTATATATAGT-3'
Protein context (NP_689807.1, residues 112-132): FDRGIRRAIE[Asp122Val]ISQGCPESKN